The following is an entry in ClinVar:

NM_022114.4(PRDM16):c.1961_1970del (p.Ala654fs)

Gene: PRDM16 (PR/SET domain 16; plus strand). Cytogenetic location: 1p36.32.
Variant type: Deletion.
Coding change: c.1961_1970del on transcript NM_022114.4 (MANE Select); coding-DNA positions 1961 to 1970, 10 bases deleted (CGCCCCCGGG; older notation c.1961_1970delCGCCCCCGGG).
Protein change: p.Ala654fs; shifts the reading frame from alanine 654.
Molecular consequence: frameshift variant.
Genome position (GRCh38, 1-based): chr1:3,412,158-3,412,167, CGCCCCCGGG deleted; deleting any 10 consecutive bases within chr1:3,412,156-3,412,167 gives the same sequence; the c. name uses the placement nearest the transcript's 3' end. VCF-style (leftmost placement, unchanged base first): chr1-3412155-TGGCGCCCCCG-T. GRCh37 (hg19) VCF-style: chr1-3328719-TGGCGCCCCCG-T.
Other names: c.1961_1970del, p.Ala654fs (NM_199454.3); short protein forms A654fs.
Identifiers: ClinVar variation 1355175 (VCV001355175.6), dbSNP rs2100663690, ClinGen allele CA2573131888.

ClinVar aggregate classification (germline): Uncertain significance (1 of 4 stars; one submission).

Conditions:
Left ventricular noncompaction 8 (LVNC8). Identifiers: Orphanet 154, Orphanet 54260, MedGen C3809288, MONDO:0014152, OMIM 615373.

Submission:

Labcorp Genetics (formerly Invitae), Labcorp
Classification: Uncertain significance for Left ventricular noncompaction 8. Last evaluated: 2021-05-19. Review status: criteria provided, single submitter. Criteria: Invitae Variant Classification Sherloc (09022015). Collection method: clinical testing. Allele origin: germline.
Comment: This variant has not been reported in the literature in individuals with PRDM16-related conditions. In summary, the available evidence is currently insufficient to determine the role of this variant in disease. Therefore, it has been classified as a Variant of Uncertain Significance. This variant is not present in population databases (ExAC no frequency). This sequence change creates a premature translational stop signal (p.Ala654Glyfs*27) in the PRDM16 gene. It is expected to result in an absent or disrupted protein product. However, the current clinical and genetic evidence is not sufficient to establish whether loss-of-function variants in PRDM16 cause disease.